The following is an entry in ClinVar:

NM_000492.4(CFTR):c.2669A>G (p.Gln890Arg)

Gene: CFTR (CF transmembrane conductance regulator; plus strand). Cytogenetic location: 7q31.2.
Variant type: single nucleotide variant.
Coding change: c.2669A>G on transcript NM_000492.4 (MANE Select); coding-DNA position 2669, A replaced by G.
Protein change: p.Gln890Arg; replaces glutamine 890 with arginine.
Molecular consequence: missense variant.
Genome position (GRCh38, 1-based): chr7:117,603,543, A>G. VCF-style: chr7-117603543-A-G. GRCh37 (hg19) VCF-style: chr7-117243597-A-G.
Other names: short protein forms Q890R.
Identifiers: ClinVar variation 53540 (VCV000053540.13), dbSNP rs397508417, ClinGen allele CA326882.

ClinVar aggregate classification (germline): Uncertain significance. Review status: criteria provided, multiple submitters, no conflicts (2 of 4 stars). 6 submissions from 6 submitters: Uncertain significance (4). 2 of the submissions do not count toward it. Last evaluated 2025-11-28.

Conditions:
CFTR-related disorder (CFTR-RD). Also called: CFTR-related disorders; CFTR-related condition. Identifiers: MedGen C5924204, MONDO:7770004.
Bronchiectasis with or without elevated sweat chloride 1 (BESC1). Also called: Cystic Fibrosis-Like Syndrome. Identifiers: Orphanet 60033, MedGen C2749757, MONDO:0008887, OMIM 211400.
Hereditary pancreatitis (PCTT). Also called: PRSS1-Related Hereditary Pancreatitis; Hereditary chronic pancreatitis. Identifiers: Orphanet 676, MedGen C0238339, MONDO:0008185, OMIM 167800.
Cystic fibrosis (CF). Also called: MUCOVISCIDOSIS. Identifiers: Orphanet 586, MedGen C0010674, MONDO:0009061, OMIM 219700. Disease mechanism: loss of function.
Congenital bilateral aplasia of vas deferens from CFTR mutation (CBAVD). Identifiers: Orphanet 48, MedGen C0403814, MONDO:0010178, OMIM 277180. Disease mechanism: loss of function.

Allele frequency attached by ClinVar (database versions not stated): TOPMed below 0.00001; ExAC 0.00001; gnomAD exomes below 0.00001.
gnomAD v4.1: 7 of 1,613,952 alleles (0.00043%); highest among the groups gnomAD compares: Non-Finnish European, 0.00051%; no homozygotes.

Submissions (6):

Women's Health and Genetics/Laboratory Corporation of America, LabCorp
Classification: Uncertain significance. Last evaluated: 2025-11-28. Review status: criteria provided, single submitter. Criteria: LabCorp Variant Classification Summary - May 2015. Collection method: clinical testing. Allele origin: germline.
Comment: Variant summary: CFTR c.2669A>G (p.Gln890Arg) results in a conservative amino acid change located in the ABC transporter type 1, transmembrane domain (IPR011527) of the encoded protein sequence. Algorithms developed to predict the effect of missense changes on protein structure and function all suggest that this variant is likely to be tolerated. The variant allele was found at a frequency of 4e-06 in 251194 control chromosomes. The available data on variant occurrences in the general population are insufficient to allow any conclusion about variant significance. c.2669A>G has been observed in at least one compound heterozygous individual affected with Cystic Fibrosis (Larriba_2001) and one patient affected with CAVD (Casals_2000). These data do not allow any conclusion about variant significance. To our knowledge, no experimental evidence demonstrating an impact on protein function has been reported. The following publications have been ascertained in the context of this evaluation (PMID: 10875853, 11466205). ClinVar contains an entry for this variant (Variation ID: 53540). Based on the evidence outlined above, the variant was classified as uncertain significance.

Ambry Genetics
Classification: Uncertain significance for Cystic fibrosis. Last evaluated: 2025-07-03. Review status: criteria provided, single submitter. Criteria: Ambry Variant Classification Scheme 2023. Collection method: clinical testing. Allele origin: germline.
Comment: The p.Q890R variant (also known as c.2669A>G), located in coding exon 17 of the CFTR gene, results from an A to G substitution at nucleotide position 2669. The glutamine at codon 890 is replaced by arginine, an amino acid with highly similar properties. This alteration has been identified in multiple individuals with congenital absence of the vas deferens (Casals T et al. Hum Reprod, 2000 Jul;15:1476-83; Larriba S et al. Biol Reprod, 2001 Aug;65:394-400). Of note, this alteration is also known as 2801A>G in published literature. This amino acid position is not well conserved in available vertebrate species. In addition, the in silico prediction for this alteration is inconclusive. Since supporting evidence is limited at this time, the clinical significance of this alteration remains unclear.

Labcorp Genetics (formerly Invitae), Labcorp
Classification: Uncertain significance for Cystic fibrosis. Last evaluated: 2022-05-20. Review status: criteria provided, single submitter. Criteria: Invitae Variant Classification Sherloc (09022015). Collection method: clinical testing. Allele origin: germline.
Comment: This sequence change replaces glutamine, which is neutral and polar, with arginine, which is basic and polar, at codon 890 of the CFTR protein (p.Gln890Arg). This variant is present in population databases (rs397508417, gnomAD 0.0009%). This missense change has been observed in individual(s) with congenital unilateral absence of the vas deferens (CUAVD) (PMID: 10875853). ClinVar contains an entry for this variant (Variation ID: 53540). Algorithms developed to predict the effect of missense changes on protein structure and function (SIFT, PolyPhen-2, Align-GVGD) all suggest that this variant is likely to be tolerated. In summary, the available evidence is currently insufficient to determine the role of this variant in disease. Therefore, it has been classified as a Variant of Uncertain Significance.

Fulgent Genetics
Classification: Uncertain significance for Hereditary pancreatitis; Bronchiectasis with or without elevated sweat chloride 1; Cystic fibrosis; Congenital bilateral aplasia of vas deferens from CFTR mutation. Last evaluated: 2022-02-16. Review status: criteria provided, single submitter. Criteria: ACMG Guidelines, 2015. Collection method: clinical testing. Allele origin: unknown.

Natera, Inc.
Classification: Uncertain significance for CFTR-related disorders. Last evaluated: 2019-10-09. Review status: no assertion criteria provided. Collection method: clinical testing. Allele origin: germline. Not counted in ClinVar's aggregate classification.

ClinVar Staff, National Center for Biotechnology Information (NCBI)
No classification provided. Condition: CFTR-related disorders. Review status: no classification provided. Collection method: literature only. Allele origin: germline. Affected: yes. Not counted in ClinVar's aggregate classification.

Literature cited by the submitters: PubMed 10875853 (cited by 4 submitters); PubMed 11466205 (cited by Women's Health and Genetics/Laboratory Corporation of America, LabCorp and Ambry Genetics).